The following is an entry in ClinVar:

NM_000390.4(CHM):c.1865A>G (p.Gln622Arg)

Gene: CHM (CHM Rab escort protein; minus strand). Cytogenetic location: Xq21.2.
Variant type: single nucleotide variant.
Coding change: c.1865A>G on transcript NM_000390.4 (MANE Select); coding-DNA position 1865, A replaced by G.
Protein change: p.Gln622Arg; replaces glutamine 622 with arginine.
Molecular consequence: missense variant.
Genome position (GRCh38, 1-based): chrX:85,864,727, T>C on the plus strand (A>G on the coding strand, the complement: CHM is on the minus strand). VCF-style: chrX-85864727-T-C. GRCh37 (hg19) VCF-style: chrX-85119732-T-C.
Other names: c.1421A>G, p.Gln474Arg (NM_001362519.1, NM_001320959.1, NM_001362517.1 and 1 more transcripts); c.1865A>G (NM_000390.3); short protein forms Q622R, Q474R.
Identifiers: ClinVar variation 2134152 (VCV002134152.5), dbSNP rs2519994547, ClinGen allele CA413785144.

ClinVar aggregate classification (germline): Uncertain significance. Review status: criteria provided, single submitter (1 of 4 stars). 2 submissions from 2 submitters: Uncertain significance (1). 1 of the submissions does not count toward it. Last evaluated 2025-09-16.

Conditions:
Choroideremia. Also called: Chorioretinal scalloped atrophy. Identifiers: Orphanet 180, MedGen C0008525, MONDO:0010557, OMIM 303100, HP:0001139.

Submissions (2):

Labcorp Genetics (formerly Invitae), Labcorp
Classification: Uncertain significance. Last evaluated: 2025-09-16. Review status: criteria provided, single submitter. Criteria: Invitae Variant Classification Sherloc (09022015). Collection method: clinical testing. Allele origin: germline.
Comment: This sequence change replaces glutamine, which is neutral and polar, with arginine, which is basic and polar, at codon 622 of the CHM protein (p.Gln622Arg). This variant is not present in population databases (gnomAD no frequency). This variant has not been reported in the literature in individuals affected with CHM-related conditions. ClinVar contains an entry for this variant (Variation ID: 2134152). Invitae Evidence Modeling of protein sequence and biophysical properties (such as structural, functional, and spatial information, amino acid conservation, physicochemical variation, residue mobility, and thermodynamic stability) indicates that this missense variant is not expected to disrupt CHM protein function with a negative predictive value of 80%. In summary, the available evidence is currently insufficient to determine the role of this variant in disease. Therefore, it has been classified as a Variant of Uncertain Significance.

Natera, Inc.
Classification: Uncertain significance for Choroideremia. Last evaluated: 2025-01-20. Review status: no assertion criteria provided. Collection method: clinical testing. Allele origin: germline. Not counted in ClinVar's aggregate classification.